The following is an entry in ClinVar:

NM_015450.3(POT1):c.21A>T (p.Thr7=)

Gene: POT1 (protection of telomeres 1; minus strand). Cytogenetic location: 7q31.33.
Variant type: single nucleotide variant.
Coding change: c.21A>T on transcript NM_015450.3 (MANE Select); coding-DNA position 21, A replaced by T.
Protein change: p.Thr7=; no amino-acid change (threonine 7 retained).
Molecular consequence: synonymous variant. On other transcripts: 5 prime UTR variant (1), non-coding transcript variant (3).
Genome position (GRCh38, 1-based): chr7:124,892,369, T>A on the plus strand (A>T on the coding strand, the complement: POT1 is on the minus strand). VCF-style: chr7-124892369-T-A. GRCh37 (hg19) VCF-style: chr7-124532423-T-A.
Other names: c.-242A>T (NM_001042594.2).
Identifiers: ClinVar variation 682354 (VCV000682354.1), dbSNP rs1584792046, ClinGen allele CA457470299.
Genomic context (GRCh38, chr7:124,892,369, plus strand): 5'-ACCATAGACATTGACAATTGTACCACCCTTAAGTTGATTCAGGGGTGTATATATATAATT[T>A]GTTGCTGGAACCTAAAGAAAGAGAAGACAGTGAATACATTTATACAAAGTATTTACATTG-3'
Protein context (NP_056265.2, residues 1-17): MSLVPA[Thr7=]NYIYTPLNQL

ClinVar aggregate classification (germline): Likely benign (1 of 4 stars; one submission).

Submission:

GeneDx
Classification: Likely benign. Last evaluated: 2018-04-19. Review status: criteria provided, single submitter. Criteria: GeneDx Variant Classification (06012015). Collection method: clinical testing. Allele origin: germline. Affected: yes.
Comment: This variant is considered likely benign or benign based on one or more of the following criteria: it is a conservative change, it occurs at a poorly conserved position in the protein, it is predicted to be benign by multiple in silico algorithms, and/or has population frequency not consistent with disease.